The following is an entry in ClinVar:

NM_198253.3(TERT):c.1573+6G>T

Gene: TERT (telomerase reverse transcriptase; minus strand). Cytogenetic location: 5p15.33.
Variant type: single nucleotide variant.
Coding change: c.1573+6G>T on transcript NM_198253.3 (MANE Select); 6 bases into the intron after coding-DNA position 1573, G replaced by T.
Molecular consequence: intron variant.
Genome position (GRCh38, 1-based): chr5:1,293,307, C>A on the plus strand (G>T on the coding strand, the complement: TERT is on the minus strand). VCF-style: chr5-1293307-C-A. GRCh37 (hg19) VCF-style: chr5-1293422-C-A.
Other names: c.1573+6G>T (NM_001193376.3).
Identifiers: ClinVar variation 1421015 (VCV001421015.6), dbSNP rs1561213199, ClinGen allele CA1072512714.

ClinVar aggregate classification (germline): Uncertain significance (1 of 4 stars; one submission).

Conditions:
Dyskeratosis congenita, autosomal dominant 2. Identifiers: MedGen C3151443, MONDO:0013521, OMIM 613989.
Idiopathic Pulmonary Fibrosis. Also called: Idiopathic fibrosing alveolitis, chronic form; idiopathic fibrosing alveolitis. Identifiers: Orphanet 2032, MedGen C1800706, MeSH D054990, MONDO:0800504.

Allele frequency attached by ClinVar (database versions not stated): gnomAD 0.00001.
gnomAD v4.1: 4 of 1,612,606 alleles (0.00025%); highest among the groups gnomAD compares: Non-Finnish European, 0.00034%; no homozygotes.

Submission:

Labcorp Genetics (formerly Invitae), Labcorp
Classification: Uncertain significance for Dyskeratosis congenita, autosomal dominant 2; Idiopathic Pulmonary Fibrosis. Last evaluated: 2025-09-16. Review status: criteria provided, single submitter. Criteria: Invitae Variant Classification Sherloc (09022015). Collection method: clinical testing. Allele origin: germline.
Comment: This sequence change falls in intron 2 of the TERT gene. It does not directly change the encoded amino acid sequence of the TERT protein. It affects a nucleotide within the consensus splice site. This variant is not present in population databases (gnomAD no frequency). This variant has not been reported in the literature in individuals affected with TERT-related conditions. ClinVar contains an entry for this variant (Variation ID: 1421015). Variants that disrupt the consensus splice site are a relatively common cause of aberrant splicing (PMID: 17576681, 9536098). Algorithms developed to predict the effect of sequence changes on RNA splicing suggest that this variant is not likely to affect RNA splicing. In summary, the available evidence is currently insufficient to determine the role of this variant in disease. Therefore, it has been classified as a Variant of Uncertain Significance.

Literature cited by the submitters: PubMed 17576681; PubMed 9536098.